The following is an entry in ClinVar:

ClinVar aggregate classification (germline): Pathogenic. Review status: criteria provided, multiple submitters, no conflicts (2 of 4 stars). 3 submissions from 3 submitters: Pathogenic (2). 1 of the submissions does not count toward it. Last evaluated 2023-06-30.

Conditions:
Polycystic kidney disease, adult type (PKD1). Also called: POLYCYSTIC KIDNEY DISEASE 1 WITH OR WITHOUT POLYCYSTIC LIVER DISEASE; Polycystic Kidney, Autosomal Dominant; POLYCYSTIC KIDNEY DISEASE, ADULT, TYPE I; Polycystic Kidney Disease 1, Autosomal Dominant; Polycystic kidney disease 1; Polycystic kidney disease 1, severe. Identifiers: MedGen C3149841, MONDO:0008263, OMIM 173900.
PKD1-related disorder. Also called: PKD1-related condition.

Submissions (3):

GeneDx
Classification: Pathogenic. Last evaluated: 2023-06-30. Review status: criteria provided, single submitter. Criteria: GeneDx Variant Classification Process June 2021. Collection method: clinical testing. Allele origin: germline. Affected: yes.
Comment: Frameshift variant predicted to result in protein truncation or nonsense mediated decay in a gene for which loss-of-function is a known mechanism of disease; Not observed at significant frequency in large population cohorts (gnomAD); Has not been previously reported as pathogenic or benign to our knowledge; This variant is associated with the following publications: (PMID: 28660367)

Juno Genomics, Hangzhou Juno Genomics, Inc
Classification: Pathogenic for Polycystic kidney disease, adult type. Review status: criteria provided, single submitter. Criteria: ACMG Guidelines, 2015. Collection method: clinical testing. Allele origin: germline. Affected: yes.
Comment: Absent from controls (or at extremely low frequency if recessive) in Genome Aggregation Database.;Null variant in a gene where loss of function (LOF) is a known mechanism of disease.;Patient's phenotype or family history is highly specific for a disease with a single genetic etiology.

PreventionGenetics, part of Exact Sciences
Classification: Pathogenic for PKD1-related condition. Last evaluated: 2024-08-08. Review status: no assertion criteria provided. Collection method: clinical testing. Allele origin: germline. Not counted in ClinVar's aggregate classification.
Comment: The PKD1 c.1426delG variant is predicted to result in a frameshift and premature protein termination (p.Val476Trpfs*82). This variant was reported in an individual in a chronic kidney disease panel testing (Table S3 of Bleyer et al. 2022. PubMed ID: 35325889). This variant has not been reported in a large population database, indicating this variant is rare. Frameshift variants in PKD1 are expected to be pathogenic. This variant is interpreted as pathogenic.

NM_001009944.3(PKD1):c.1426del (p.Val476fs)

Gene: PKD1 (polycystin 1, transient receptor potential channel interacting; minus strand). Cytogenetic location: 16p13.3.
Variant type: Deletion.
Coding change: c.1426del on transcript NM_001009944.3 (MANE Select); coding-DNA position 1426, one base deleted (G; older notation c.1426delG).
Protein change: p.Val476fs; shifts the reading frame from valine 476.
Molecular consequence: frameshift variant.
Genome position (GRCh38, 1-based): chr16:2,117,013, C deleted on the plus strand (G on the coding strand, the reverse complement: PKD1 is on the minus strand); the first of 5 consecutive C bases (chr16:2,117,013-2,117,017); deleting any one gives the same sequence. VCF-style (leftmost placement, unchanged base first): chr16-2117012-AC-A. GRCh37 (hg19) VCF-style: chr16-2167013-AC-A.
Other names: c.1426delG (NM_001009944.2); c.1426del, p.Val476fs (NM_000296.4); c.1422delG, p.Val476Trpfs (NM_001009944.2); short protein forms V476fs.
Identifiers: ClinVar variation 2573817 (VCV002573817.3), dbSNP rs2544872575, ClinGen allele CA2580613389.